The following is an entry in ClinVar:

NM_000545.8(HNF1A):c.152G>A (p.Gly51Asp)

Gene: HNF1A (HNF1 homeobox A; plus strand). Cytogenetic location: 12q24.31.
Variant type: single nucleotide variant.
Coding change: c.152G>A on transcript NM_000545.8 (MANE Select); coding-DNA position 152, G replaced by A.
Protein change: p.Gly51Asp; replaces glycine 51 with aspartic acid.
Molecular consequence: missense variant.
Genome position (GRCh38, 1-based): chr12:120,978,920, G>A. VCF-style: chr12-120978920-G-A. GRCh37 (hg19) VCF-style: chr12-121416723-G-A.
Other names: c.152G>A, p.Gly51Asp (NM_001406915.1, NM_001306179.2); short protein forms G51D.
Identifiers: ClinVar variation 1727231 (VCV001727231.4), dbSNP rs776710848, ClinGen allele CA6831673.

ClinVar aggregate classification (germline): Conflicting classifications of pathogenicity. Review status: criteria provided, conflicting classifications (1 of 4 stars). 2 submissions from 2 submitters: Uncertain significance (1); Likely benign (1). Last evaluated 2023-08-04.

Conditions:
Maturity-onset diabetes of the young (MODY). Also called: Maturity onset diabetes mellitus in young. Identifiers: Orphanet 552, MedGen C0342276, MONDO:0018911, HP:0004904.

Allele frequency attached by ClinVar (database versions not stated): gnomAD exomes below 0.00001; ExAC 0.00001; gnomAD 0.00001.
gnomAD v4.1: 4 of 1,611,622 alleles (0.00025%); highest among the groups gnomAD compares: Non-Finnish European, 0.00025%; no homozygotes.

Submissions (2):

Labcorp Genetics (formerly Invitae), Labcorp
Classification: Uncertain significance. Last evaluated: 2023-08-04. Review status: criteria provided, single submitter. Criteria: Invitae Variant Classification Sherloc (09022015). Collection method: clinical testing. Allele origin: germline.
Comment: In summary, the available evidence is currently insufficient to determine the role of this variant in disease. Therefore, it has been classified as a Variant of Uncertain Significance. Advanced modeling of protein sequence and biophysical properties (such as structural, functional, and spatial information, amino acid conservation, physicochemical variation, residue mobility, and thermodynamic stability) performed at Invitae indicates that this missense variant is not expected to disrupt HNF1A protein function. ClinVar contains an entry for this variant (Variation ID: 1727231). This variant has not been reported in the literature in individuals affected with HNF1A-related conditions. This variant is present in population databases (rs776710848, gnomAD 0.002%). This sequence change replaces glycine, which is neutral and non-polar, with aspartic acid, which is acidic and polar, at codon 51 of the HNF1A protein (p.Gly51Asp).

Clinical Genomics, Uppaluri K&H Personalized Medicine Clinic
Classification: Likely benign for Maturity-onset diabetes of the young. Review status: criteria provided, single submitter. Criteria: K & H Uppaluri Personalized Medicine Clinic Variant Classification & Assertion Criteria_Updated V.1. Collection method: research. Allele origin: unknown. Inheritance: Autosomal dominant inheritance.
Comment: Mutations in HNF1A gene can predispose to MODY3. It is associated with both micro and macrovascular complications of diabetes, especially cardiovascular complications. Associated with glucosuria. May respond well to sulfonylureas. However, more evidence is required to confer the association of this particular variant rs776710848 with MODY3.

Literature cited by the submitters: PubMed 31517624 (cited by Clinical Genomics, Uppaluri K&H Personalized Medicine Clinic); PubMed 32395877 (cited by Clinical Genomics, Uppaluri K&H Personalized Medicine Clinic); PubMed 35328643 (cited by Clinical Genomics, Uppaluri K&H Personalized Medicine Clinic); PubMed 35673428 (cited by Clinical Genomics, Uppaluri K&H Personalized Medicine Clinic).